The following is an entry in ClinVar:

NM_006922.4(SCN3A):c.4433T>C (p.Phe1478Ser)

Gene: SCN3A (sodium voltage-gated channel alpha subunit 3; minus strand). Cytogenetic location: 2q24.3.
Variant type: single nucleotide variant.
Coding change: c.4433T>C on transcript NM_006922.4 (MANE Select); coding-DNA position 4433, T replaced by C.
Protein change: p.Phe1478Ser; replaces phenylalanine 1478 with serine.
Molecular consequence: missense variant.
Genome position (GRCh38, 1-based): chr2:165,094,477, A>G on the plus strand (T>C on the coding strand, the complement: SCN3A is on the minus strand). VCF-style: chr2-165094477-A-G. GRCh37 (hg19) VCF-style: chr2-165950987-A-G.
Other names: c.4286T>C, p.Phe1429Ser (NM_001081676.2, NM_001081677.2); short protein forms F1429S, F1478S.
Identifiers: ClinVar variation 4881969 (VCV004881969.2).

ClinVar aggregate classification (germline): Uncertain significance (1 of 4 stars; one submission).

Submission:

Dasa
Classification: Uncertain significance. Last evaluated: 2026-02-24. Review status: criteria provided, single submitter. Criteria: DASA Assertion Criteria. Collection method: clinical testing. Allele origin: germline.
Comment: NM_006922.4(SCN3A):c.4433T>C (p.Phe1478Ser) is a missense variant that results in the substitution of phenylalanine with serine. This variant is absent from population databases. The currently available literature and clinical evidence are not sufficient to establish a definitive association between this variant and the reported condition. Therefore, this variant is classified as a variant of uncertain significance.